The following is an entry in ClinVar:

NM_012414.4(RAB3GAP2):c.1523A>G (p.Asn508Ser)

Gene: RAB3GAP2 (RAB3 GTPase activating non-catalytic protein subunit 2; minus strand). Cytogenetic location: 1q41.
Variant type: single nucleotide variant.
Coding change: c.1523A>G on transcript NM_012414.4 (MANE Select); coding-DNA position 1523, A replaced by G.
Protein change: p.Asn508Ser; replaces asparagine 508 with serine.
Molecular consequence: missense variant.
Genome position (GRCh38, 1-based): chr1:220,190,485, T>C on the plus strand (A>G on the coding strand, the complement: RAB3GAP2 is on the minus strand). VCF-style: chr1-220190485-T-C. GRCh37 (hg19) VCF-style: chr1-220363827-T-C.
Other names: short protein forms N508S.
Identifiers: ClinVar variation 1710838 (VCV001710838.2), dbSNP rs1234353390, ClinGen allele CA344645215.

ClinVar aggregate classification (germline): Uncertain significance (1 of 4 stars; one submission).

Allele frequency attached by ClinVar (database versions not stated): gnomAD exomes below 0.00001; gnomAD 0.00002; TOPMed 0.00002.
gnomAD v4.1: 5 of 1,605,920 alleles (0.00031%); highest among the groups gnomAD compares: African/African-American, 0.0054%; no homozygotes.

Submission:

GeneDx
Classification: Uncertain significance. Last evaluated: 2022-04-14. Review status: criteria provided, single submitter. Criteria: GeneDx Variant Classification Process June 2021. Collection method: clinical testing. Allele origin: germline. Affected: yes.
Comment: Not observed at significant frequency in large population cohorts (gnomAD); In silico analysis supports that this missense variant has a deleterious effect on protein structure/function; Has not been previously published as pathogenic or benign to our knowledge